The following is an entry in ClinVar:

NM_001292034.3(TAB2):c.964C>T (p.Arg322Ter)

Genes: TAB2 (TGF-beta activated kinase 1 (MAP3K7) binding protein 2; plus strand), LOC126859827 (BRD4-independent group 4 enhancer GRCh37_chr6:149699707-149700906; plus strand). Cytogenetic location: 6q25.1.
Variant type: single nucleotide variant.
Coding change: c.964C>T on transcript NM_001292034.3 (MANE Select); coding-DNA position 964, C replaced by T.
Protein change: p.Arg322Ter; replaces arginine 322 with a stop codon.
Molecular consequence: nonsense.
Genome position (GRCh38, 1-based): chr6:149,378,879, C>T. VCF-style: chr6-149378879-C-T. GRCh37 (hg19) VCF-style: chr6-149700015-C-T.
Other names: c.868C>T, p.Arg290Ter (NM_001292035.3); c.964C>T, p.Arg322Ter (NM_001369506.1, NM_015093.6); c.964C>T (NM_015093.5); short protein forms R290*, R322*.
Identifiers: ClinVar variation 1188284 (VCV001188284.11), dbSNP rs1034268466, ClinGen allele CA365997668.

ClinVar aggregate classification (germline): Pathogenic. Review status: criteria provided, multiple submitters, no conflicts (2 of 4 stars). 4 submissions from 4 submitters: Pathogenic (4). Last evaluated 2025-06-16.

Conditions:
TAB2-related disorder.

Submissions (4):

PreventionGenetics, part of Exact Sciences
Classification: Pathogenic for TAB2-related condition. Last evaluated: 2025-06-16. Review status: criteria provided, single submitter. Criteria: ACMG Guidelines, 2015. Collection method: clinical testing. Allele origin: germline.
Comment: The TAB2 c.964C>T variant is predicted to result in premature protein termination (p.Arg322*). This variant has been reported in multiple individuals in a family with polyvalvular dysplasia (McKinney et al. 2023. PubMed ID: 37152704). This variant has not been reported in a large population database (gnomAD), indicating this variant is rare. Nonsense variants in TAB2 are expected to be pathogenic. This variant is interpreted as pathogenic.

Blueprint Genetics
Classification: Pathogenic for TAB2-related disorders. Last evaluated: 2023-08-29. Review status: criteria provided, single submitter. Criteria: ACMG Guidelines, 2015. Collection method: clinical testing. Allele origin: de novo. Affected: yes. Observed: 2 variant alleles.

Labcorp Genetics (formerly Invitae), Labcorp
Classification: Pathogenic. Last evaluated: 2022-02-18. Review status: criteria provided, single submitter. Criteria: Invitae Variant Classification Sherloc (09022015). Collection method: clinical testing. Allele origin: germline.
Comment: This sequence change creates a premature translational stop signal (p.Arg322*) in the TAB2 gene. It is expected to result in an absent or disrupted protein product. Loss-of-function variants in TAB2 are known to be pathogenic (PMID: 28386937, 31250519). For these reasons, this variant has been classified as Pathogenic. ClinVar contains an entry for this variant (Variation ID: 1188284). This variant has not been reported in the literature in individuals affected with TAB2-related conditions. This variant is not present in population databases (gnomAD no frequency).

GeneDx
Classification: Pathogenic. Last evaluated: 2021-06-03. Review status: criteria provided, single submitter. Criteria: GeneDx Variant Classification Process June 2021. Collection method: clinical testing. Allele origin: germline. Affected: yes.
Comment: Nonsense variant predicted to result in protein truncation or nonsense mediated decay in a gene for which loss-of-function is a known mechanism of disease; Not observed in large population cohorts (Lek et al., 2016); Has not been previously published as pathogenic or benign to our knowledge; This variant is associated with the following publications: (PMID: 27535533)

Literature cited by the submitters: PubMed 28386937 (cited by Labcorp Genetics (formerly Invitae), Labcorp); PubMed 31250519 (cited by Labcorp Genetics (formerly Invitae), Labcorp).